The following is an entry in ClinVar:

ClinVar aggregate classification (germline): Uncertain significance (1 of 4 stars; one submission).

Conditions:
Singleton-Merten syndrome 1 (SGMRT1). Also called: Widened medullary cavities of bone, aortic calcification, abnormal dentition, and muscular weakness; Syndrome of widened medullary cavities of the metacarpals and phalanges, aortic calcification and abnormal dentition. Identifiers: Orphanet 85191, MedGen C4225427, MONDO:0024535, OMIM 182250.
Aicardi-Goutieres syndrome 7 (AGS7). Identifiers: Orphanet 51, MedGen C3888244, MONDO:0014367, OMIM 615846.

Submission:

Labcorp Genetics (formerly Invitae), Labcorp
Classification: Uncertain significance for Aicardi-Goutieres syndrome 7; Singleton-Merten syndrome 1. Last evaluated: 2022-03-16. Review status: criteria provided, single submitter. Criteria: Invitae Variant Classification Sherloc (09022015). Collection method: clinical testing. Allele origin: germline.
Comment: This sequence change creates a premature translational stop signal (p.Tyr939Serfs*3) in the IFIH1 gene. It is expected to result in an absent or disrupted protein product. However, the current clinical and genetic evidence is not sufficient to establish whether loss-of-function variants in IFIH1 cause disease. This variant is not present in population databases (gnomAD no frequency). This variant has not been reported in the literature in individuals affected with IFIH1-related conditions. In summary, the available evidence is currently insufficient to determine the role of this variant in disease. Therefore, it has been classified as a Variant of Uncertain Significance.

NM_022168.4(IFIH1):c.2816del (p.Tyr939fs)

Gene: IFIH1 (interferon induced with helicase C domain 1; minus strand). Cytogenetic location: 2q24.2.
Variant type: Deletion.
Coding change: c.2816del on transcript NM_022168.4 (MANE Select); coding-DNA position 2816, one base deleted (A; older notation c.2816delA).
Protein change: p.Tyr939fs; shifts the reading frame from tyrosine 939.
Molecular consequence: frameshift variant.
Genome position (GRCh38, 1-based): chr2:162,267,561, T deleted on the plus strand (A on the coding strand, the reverse complement: IFIH1 is on the minus strand). VCF-style (leftmost placement, unchanged base first): chr2-162267560-GT-G. GRCh37 (hg19) VCF-style: chr2-163124070-GT-G.
Other names: short protein forms Y939fs.
Identifiers: ClinVar variation 2109779 (VCV002109779.4), dbSNP rs2468943732, ClinGen allele CA2580064158.
Genomic context (GRCh38, chr2:162,267,560, plus strand): 5'-TTCACCATTTATTTGATAGTCGGCACACTTCTTTTGCAGTGCTTTGTTTTCTCTTACAAT[GT>G]AAAGTTCCCTATAAGTATCAAAGGGAAAGAATCATCATGGAGAACTGACAAAATACCAGT-3'